The following is an entry in ClinVar:

ClinVar aggregate classification (germline): Uncertain significance (1 of 4 stars; one submission).

Conditions:
SIN3A-related intellectual disability syndrome due to a point mutation. Also called: WITTEVEEN-KOLK SYNDROME; 15q24 Microdeletion Syndrome. Identifiers: Orphanet 500166, Orphanet 94065, MedGen C4310804, MONDO:0044700, OMIM 613406.

Allele frequency attached by ClinVar (database versions not stated): gnomAD exomes below 0.00001.
gnomAD v4.1: 1 of 1,612,606 alleles (0.000062%); highest among the groups gnomAD compares: Non-Finnish European, 0.000085%; no homozygotes.

Submission:

MGZ Medical Genetics Center
Classification: Uncertain significance for SIN3A-related intellectual disability syndrome due to a point mutation. Last evaluated: 2022-05-02. Review status: criteria provided, single submitter. Criteria: ACMG Guidelines, 2015. Collection method: clinical testing. Allele origin: germline. Affected: yes. Observed: 1 variant allele.
Comment: ACMG criteria applied: PM2_SUP, PP2, BP4

NM_001145358.2(SIN3A):c.1430C>T (p.Ala477Val)

Gene: SIN3A (SIN3 transcription regulator family member A; minus strand). Cytogenetic location: 15q24.2.
Variant type: single nucleotide variant.
Coding change: c.1430C>T on transcript NM_001145358.2 (MANE Select); coding-DNA position 1430, C replaced by T.
Protein change: p.Ala477Val; replaces alanine 477 with valine.
Molecular consequence: missense variant.
Genome position (GRCh38, 1-based): chr15:75,401,948, G>A on the plus strand (C>T on the coding strand, the complement: SIN3A is on the minus strand). VCF-style: chr15-75401948-G-A. GRCh37 (hg19) VCF-style: chr15-75694289-G-A.
Other names: c.1430C>T, p.Ala477Val (NM_001145357.2, NM_015477.3); short protein forms A477V.
Identifiers: ClinVar variation 1709297 (VCV001709297.2), dbSNP rs2542639361, ClinGen allele CA393499249.
Genomic context (GRCh38, chr15:75,401,948, plus strand): 5'-CGAGAGATCACCTCCTGGTTAAAAATAACAAGACAGCGTAGGAAATTTTCGTAGGCTTCT[G>A]CACTCCGAAGAGCCTTTCGGACCTTATGGAGACAACGGGAAGAAAAACAGTTTTTGTTTT-3'
Protein context (NP_001138830.1, residues 467-487): FDKVRKALRS[Ala477Val]EAYENFLRCL